The following is an entry in ClinVar:

ClinVar aggregate classification (germline): Benign. Review status: criteria provided, multiple submitters, no conflicts (2 of 4 stars). 2 submissions from 2 submitters: Benign (2). Last evaluated 2018-01-12.

Conditions:
Congenital microvillous atrophy (DIAR2). Also called: DAVIDSON DISEASE; MICROVILLUS ATROPHY, CONGENITAL; Microvillus inclusion disease; Diarrhea 2 with microvillus atrophy, with or without cholestasis; CONGENITAL FAMILIAL PROTRACTED DIARRHEA WITH ENTEROCYTE BRUSH-BORDER ABNORMALITIES. Identifiers: Orphanet 2290, MedGen C0341306, MONDO:0009635, OMIM 251850.

Allele frequency attached by ClinVar (database versions not stated): gnomAD exomes 0.05102; gnomAD 0.06804 and 0.07428; TOPMed 0.08897; 1000 Genomes Project 30x 0.13601; 1000 Genomes Project 0.13738.
gnomAD v4.1: 11,291 of 152,774 alleles (7.4%); highest among the groups gnomAD compares: East Asian, 29%; 913 homozygotes.

Submissions (2):

Illumina Laboratory Services, Illumina
Classification: Benign for Congenital microvillous atrophy. Last evaluated: 2018-01-12. Review status: criteria provided, single submitter. Criteria: ICSL Variant Classification Criteria 13 December 2019. Collection method: clinical testing. Allele origin: germline.
Comment: This variant was observed in the ICSL laboratory as part of a predisposition screen in an ostensibly healthy population. It had not been previously curated by ICSL or reported in the Human Gene Mutation Database (HGMD: prior to June 1st, 2018), and was therefore a candidate for classification through an automated scoring system. Utilizing variant allele frequency, disease prevalence and penetrance estimates, and inheritance mode, an automated score was calculated to assess if this variant is too frequent to cause the disease. Based on the score and internal cut-off values, a variant classified as benign is not then subjected to further curation. The score for this variant resulted in a classification of benign for this disease.

Breakthrough Genomics
Classification: Benign. Review status: criteria provided, single submitter. Criteria: ACMG Guidelines, 2015. Collection method: not provided. Allele origin: germline. Inheritance: Autosomal recessive inheritance. Affected: yes.

NM_001080467.3(MYO5B):c.*707T>C

Genes: MYO5B (myosin VB; minus strand), SNHG22 (small nucleolar RNA host gene 22; plus strand). Cytogenetic location: 18q21.1.
Variant type: single nucleotide variant.
Coding change: c.*707T>C on transcript NM_001080467.3 (MANE Select); 707 bases downstream of the stop codon, T replaced by C.
Molecular consequence: 3 prime UTR variant.
Genome position (GRCh38, 1-based): chr18:49,825,764, A>G on the plus strand (T>C on the coding strand, the complement: MYO5B is on the minus strand). VCF-style: chr18-49825764-A-G. GRCh37 (hg19) VCF-style: chr18-47352134-A-G.
Identifiers: ClinVar variation 326983 (VCV000326983.6), dbSNP rs12457962, ClinGen allele CA10641553.
Genomic context (GRCh38, chr18:49,825,764, plus strand): 5'-GACTAGCATCAGAAACAAAATATTTTTCCATCTTTCTCACTTGGAGTTTGGGATAGCAGC[A>G]TTTTAATAATCTCTTCCATTAAATCAAGATAACACAAAAGCGTTTGAGCACACTGAGGAC-3'